The following is an entry in ClinVar:

ClinVar aggregate classification (germline): Uncertain significance (1 of 4 stars; one submission).

Submission:

Ambry Genetics
Classification: Uncertain significance. Last evaluated: 2022-09-26. Review status: criteria provided, single submitter. Criteria: Ambry Variant Classification Scheme 2023. Collection method: clinical testing. Allele origin: germline.
Comment: The p.P3024S variant (also known as c.9070C>T), located in coding exon 65 of the PRKDC gene, results from a C to T substitution at nucleotide position 9070. The proline at codon 3024 is replaced by serine, an amino acid with similar properties. This amino acid position is conserved. In addition, this alteration is predicted to be tolerated by in silico analysis. Since supporting evidence is limited at this time, the clinical significance of this alteration remains unclear.

NM_006904.7(PRKDC):c.9070C>T (p.Pro3024Ser)

Gene: PRKDC (protein kinase, DNA-activated, catalytic subunit; minus strand). Cytogenetic location: 8q11.21.
Variant type: single nucleotide variant.
Coding change: c.9070C>T on transcript NM_006904.7 (MANE Select); coding-DNA position 9070, C replaced by T.
Protein change: p.Pro3024Ser; replaces proline 3024 with serine.
Molecular consequence: missense variant.
Genome position (GRCh38, 1-based): chr8:47,821,645, G>A on the plus strand (C>T on the coding strand, the complement: PRKDC is on the minus strand). VCF-style: chr8-47821645-G-A. GRCh37 (hg19) VCF-style: chr8-48734206-G-A.
Other names: c.9070C>T, p.Pro3024Ser (NM_001081640.2); short protein forms P3024S.
Identifiers: ClinVar variation 1765677 (VCV001765677.2), dbSNP rs905751463, ClinGen allele CA371140336.